The following is an entry in ClinVar:

ClinVar aggregate classification (germline): Likely pathogenic (1 of 4 stars; one submission).

Conditions:
Charcot-Marie-Tooth disease type 4. Also called: Charcot-Marie-Tooth, Type 4; Charcot-Marie-Tooth disease, type IV. Identifiers: Orphanet 64749, MedGen C4082197, MONDO:0018995.

Submission:

Labcorp Genetics (formerly Invitae), Labcorp
Classification: Likely pathogenic for Charcot-Marie-Tooth disease type 4. Last evaluated: 2023-01-11. Review status: criteria provided, single submitter. Criteria: Invitae Variant Classification Sherloc (09022015). Collection method: clinical testing. Allele origin: unknown.
Comment: In summary, the currently available evidence indicates that the variant is pathogenic, but additional data are needed to prove that conclusively. Therefore, this variant has been classified as Likely Pathogenic. A similar copy number variant has been observed in individual(s) with clinical features of Charcot-Marie-Tooth disease (Invitae). In at least one individual the data is consistent with being in trans (on the opposite chromosome) from a pathogenic variant. This variant is a gross deletion of the genomic region encompassing exon(s) 17 of the SBF2 gene. This variant would be expected to be in-frame, preserving the integrity of the reading frame.

NC_000011.9:g.(?_9917470)_(9917578_?)del

Gene: SBF2 (SET binding factor 2; minus strand). Cytogenetic location: 11p15.4.
Variant type: Deletion.
Identifiers: ClinVar variation 3244698 (VCV003244698.1).